The following is an entry in ClinVar:

NM_020831.6(MRTFA):c.718C>A (p.Pro240Thr)

Gene: MRTFA (myocardin related transcription factor A; minus strand). Cytogenetic location: 22q13.1.
Variant type: single nucleotide variant.
Coding change: c.718C>A on transcript NM_020831.6 (MANE Select); coding-DNA position 718, C replaced by A.
Protein change: p.Pro240Thr; replaces proline 240 with threonine.
Molecular consequence: missense variant.
Genome position (GRCh38, 1-based): chr22:40,424,265, G>T on the plus strand (C>A on the coding strand, the complement: MRTFA is on the minus strand). VCF-style: chr22-40424265-G-T. GRCh37 (hg19) VCF-style: chr22-40820269-G-T.
Other names: c.418C>A, p.Pro140Thr (NM_001282660.2); c.718C>A, p.Pro240Thr (NM_001282661.3, NM_001282662.3); c.523C>A, p.Pro175Thr (NM_001318139.2); short protein forms P140T, P175T, P240T.
Identifiers: ClinVar variation 1683150 (VCV001683150.6), dbSNP rs754296523, ClinGen allele CA10249893.

ClinVar aggregate classification (germline): Uncertain significance (1 of 4 stars; one submission).

Allele frequency attached by ClinVar (database versions not stated): gnomAD 0.00001; ExAC 0.00002; TOPMed 0.00002.
gnomAD v4.1: 18 of 1,610,932 alleles (0.0011%); highest among the groups gnomAD compares: Admixed American, 0.024%; no homozygotes.

Submission:

Labcorp Genetics (formerly Invitae), Labcorp
Classification: Uncertain significance. Last evaluated: 2026-01-05. Review status: criteria provided, single submitter. Criteria: Invitae Variant Classification Sherloc (09022015). Collection method: clinical testing. Allele origin: germline.
Comment: This sequence change replaces proline, which is neutral and non-polar, with threonine, which is neutral and polar, at codon 140 of the MKL1 protein (p.Pro140Thr). This variant is present in population databases (rs754296523, gnomAD 0.02%). This variant has not been reported in the literature in individuals affected with MKL1-related conditions. ClinVar contains an entry for this variant (Variation ID: 1683150). An algorithm developed to predict the effect of missense changes on protein structure and function (PolyPhen-2) suggests that this variant is likely to be disruptive. In summary, the available evidence is currently insufficient to determine the role of this variant in disease. Therefore, it has been classified as a Variant of Uncertain Significance.